The following is an entry in ClinVar:

NM_020987.5(ANK3):c.4114A>C (p.Asn1372His)

Gene: ANK3 (ankyrin 3; minus strand). Cytogenetic location: 10q21.2.
Variant type: single nucleotide variant.
Coding change: c.4114A>C on transcript NM_020987.5 (MANE Select); coding-DNA position 4114, A replaced by C.
Protein change: p.Asn1372His; replaces asparagine 1372 with histidine.
Molecular consequence: missense variant.
Genome position (GRCh38, 1-based): chr10:60,083,578, T>G on the plus strand (A>C on the coding strand, the complement: ANK3 is on the minus strand). VCF-style: chr10-60083578-T-G. GRCh37 (hg19) VCF-style: chr10-61843336-T-G.
Other names: c.1516A>C, p.Asn506His (NM_001149.4); c.4096A>C, p.Asn1366His (NM_001204403.2); c.4117A>C, p.Asn1373His (NM_001204404.2); c.4114A>C, p.Asn1372His (NM_001320874.2); c.4114A>C (NM_020987.3); short protein forms N1373H, N1366H, N1372H, N506H.
Identifiers: ClinVar variation 1399951 (VCV001399951.9), dbSNP rs1379779681, ClinGen allele CA376983560.
Genomic context (GRCh38, chr10:60,083,578, plus strand): 5'-CTTTGAAAGAATAAAAGTTAAAAACAAGTTGCTGTCCTCCTTTGGTAAGTGGGGCCAAAT[T>G]TCCATAACAATCAACATAAATAGGTTTTCCTTCCAGAACCTTTTAGAGTAAAAGAAATAA-3'
Protein context (NP_066267.2, residues 1362-1382): GKPIYVDCYG[Asn1372His]LAPLTKGGQQ

ClinVar aggregate classification (germline): Uncertain significance. Review status: criteria provided, multiple submitters, no conflicts (2 of 4 stars). 3 submissions from 3 submitters: Uncertain significance (3). Last evaluated 2024-10-23.

Conditions:
Inborn genetic diseases. Identifiers: MedGen C0950123, MeSH D030342.

Allele frequency attached by ClinVar (database versions not stated): gnomAD exomes below 0.00001 and 0.00001; gnomAD 0.00001; TOPMed 0.00001.
gnomAD v4.1: 6 of 1,610,846 alleles (0.00037%); highest among the groups gnomAD compares: East Asian, 0.011%; no homozygotes.

Submissions (3):

Labcorp Genetics (formerly Invitae), Labcorp
Classification: Uncertain significance. Last evaluated: 2024-10-23. Review status: criteria provided, single submitter. Criteria: Invitae Variant Classification Sherloc (09022015). Collection method: clinical testing. Allele origin: germline.
Comment: This sequence change replaces asparagine with histidine at codon 1372 of the ANK3 protein (p.Asn1372His). The asparagine residue is highly conserved and there is a small physicochemical difference between asparagine and histidine. This variant is present in population databases (no rsID available, gnomAD 0.01%). This variant has not been reported in the literature in individuals affected with ANK3-related conditions. ClinVar contains an entry for this variant (Variation ID: 1399951). Invitae Evidence Modeling of protein sequence and biophysical properties (such as structural, functional, and spatial information, amino acid conservation, physicochemical variation, residue mobility, and thermodynamic stability) indicates that this missense variant is expected to disrupt ANK3 protein function with a positive predictive value of 80%. In summary, the available evidence is currently insufficient to determine the role of this variant in disease. Therefore, it has been classified as a Variant of Uncertain Significance.

GeneDx
Classification: Uncertain significance. Last evaluated: 2023-07-06. Review status: criteria provided, single submitter. Criteria: GeneDx Variant Classification Process June 2021. Collection method: clinical testing. Allele origin: germline. Affected: yes.
Comment: In silico analysis supports that this missense variant has a deleterious effect on protein structure/function; Has not been previously published as pathogenic or benign to our knowledge; Variants in candidate genes are classified as variants of uncertain significance in accordance with ACMG guidelines (Richards et al., 2015)

Ambry Genetics
Classification: Uncertain significance for Inborn genetic diseases. Last evaluated: 2022-10-13. Review status: criteria provided, single submitter. Criteria: Ambry Variant Classification Scheme 2023. Collection method: clinical testing. Allele origin: germline.